The following is an entry in ClinVar:

NM_001031689.3(PLAA):c.1696AAG[1] (p.Lys567del)

Gene: PLAA (phospholipase A2 activating protein; minus strand). Cytogenetic location: 9p21.2.
Variant type: Microsatellite.
Coding change: c.1696AAG[1] on transcript NM_001031689.3 (MANE Select); one copy of the 3-base unit AAG starting at c.1696; the reference has two copies in a row; one copy, 3 bases deleted.
Protein change: p.Lys567del; deletes lysine 567.
Molecular consequence: inframe deletion.
Genome position (GRCh38, 1-based): chr9:26,907,955-26,907,957, CTT deleted on the plus strand (AAG on the coding strand, the reverse complement: PLAA is on the minus strand); deleting any 3 consecutive bases within chr9:26,907,955-26,907,962 gives the same sequence; the position shown is the placement nearest the transcript's 3' end. VCF-style (leftmost placement, unchanged base first): chr9-26907954-ACTT-A. GRCh37 (hg19) VCF-style: chr9-26907952-ACTT-A.
Other names: c.1627AAG[1], p.Lys544del (NM_001321546.2); short protein forms K544del, K567del.
Identifiers: ClinVar variation 1345616 (VCV001345616.6), dbSNP rs1414332888, ClinGen allele CA587322654.

ClinVar aggregate classification (germline): Uncertain significance (1 of 4 stars; one submission).

Submission:

Labcorp Genetics (formerly Invitae), Labcorp
Classification: Uncertain significance. Last evaluated: 2022-08-23. Review status: criteria provided, single submitter. Criteria: Invitae Variant Classification Sherloc (09022015). Collection method: clinical testing. Allele origin: germline.
Comment: In summary, the available evidence is currently insufficient to determine the role of this variant in disease. Therefore, it has been classified as a Variant of Uncertain Significance. This variant, c.1699_1701del, results in the deletion of 1 amino acid(s) of the PLAA protein (p.Lys567del), but otherwise preserves the integrity of the reading frame. This variant is present in population databases (no rsID available, gnomAD 0.0009%). This variant has not been reported in the literature in individuals affected with PLAA-related conditions. Experimental studies and prediction algorithms are not available or were not evaluated, and the functional significance of this variant is currently unknown.